The following is an entry in ClinVar:

ClinVar aggregate classification (germline): Uncertain significance (1 of 4 stars; one submission).

Conditions:
Familial adenomatous polyposis 1 (FAP1). Also called: POLYPOSIS, ADENOMATOUS INTESTINAL; FAMILIAL ADENOMATOUS POLYPOSIS 1, ATTENUATED. Identifiers: MedGen C2713442, MONDO:0021056, OMIM 175100. Disease mechanism: loss of function.

Submission:

Labcorp Genetics (formerly Invitae), Labcorp
Classification: Uncertain significance for Familial adenomatous polyposis 1. Last evaluated: 2022-09-07. Review status: criteria provided, single submitter. Criteria: Invitae Variant Classification Sherloc (09022015). Collection method: clinical testing. Allele origin: germline.
Comment: This variant occurs in a non-coding region of the APC gene. It does not change the encoded amino acid sequence of the APC protein. In summary, the available evidence is currently insufficient to determine the role of this variant in disease. Therefore, it has been classified as a Variant of Uncertain Significance. Experimental studies and prediction algorithms are not available or were not evaluated, and the functional significance of this variant is currently unknown. This variant has not been reported in the literature in individuals affected with APC-related conditions. This variant is not present in population databases (gnomAD no frequency).

NC_000005.10:g.112707367A>C

Gene: APC (APC regulator of Wnt signaling pathway; plus strand). Cytogenetic location: 5q22.2.
Variant type: single nucleotide variant.
Genome position: GRCh38 VCF-style: chr5-112707367-A-C. GRCh37 (hg19) VCF-style: chr5-112043064-A-C.
Identifiers: ClinVar variation 1052845 (VCV001052845.8), dbSNP rs1046974767, ClinGen allele CA1573442210.